The following is an entry in ClinVar:

NM_001903.5(CTNNA1):c.227G>A (p.Gly76Glu)

Gene: CTNNA1 (catenin alpha 1; plus strand). Cytogenetic location: 5q31.2.
Variant type: single nucleotide variant.
Coding change: c.227G>A on transcript NM_001903.5 (MANE Select); coding-DNA position 227, G replaced by A.
Protein change: p.Gly76Glu; replaces glycine 76 with glutamic acid.
Molecular consequence: missense variant. On other transcripts: intron variant (2).
Genome position (GRCh38, 1-based): chr5:138,783,298, G>A. VCF-style: chr5-138783298-G-A. GRCh37 (hg19) VCF-style: chr5-138118987-G-A.
Other names: c.227G>A, p.Gly76Glu (NM_001290307.3, NM_001323982.2, NM_001323983.1 and 3 more transcripts); c.-6+26G>A (NM_001290310.3); c.-9+1269G>A (NM_001290309.3); short protein forms G76E.
Identifiers: ClinVar variation 1721865 (VCV001721865.5), dbSNP rs2532178962, ClinGen allele CA361477531.

ClinVar aggregate classification (germline): Uncertain significance (1 of 4 stars; one submission).

Submission:

Labcorp Genetics (formerly Invitae), Labcorp
Classification: Uncertain significance. Last evaluated: 2024-04-25. Review status: criteria provided, single submitter. Criteria: Invitae Variant Classification Sherloc (09022015). Collection method: clinical testing. Allele origin: germline.
Comment: This sequence change replaces glycine, which is neutral and non-polar, with glutamic acid, which is acidic and polar, at codon 76 of the CTNNA1 protein (p.Gly76Glu). This variant is not present in population databases (gnomAD no frequency). This variant has not been reported in the literature in individuals affected with CTNNA1-related conditions. ClinVar contains an entry for this variant (Variation ID: 1721865). Advanced modeling of protein sequence and biophysical properties (such as structural, functional, and spatial information, amino acid conservation, physicochemical variation, residue mobility, and thermodynamic stability) performed at Invitae indicates that this missense variant is expected to disrupt CTNNA1 protein function with a positive predictive value of 80%. In summary, the available evidence is currently insufficient to determine the role of this variant in disease. Therefore, it has been classified as a Variant of Uncertain Significance.